The following is an entry in ClinVar:

ClinVar aggregate classification (germline): Uncertain significance (1 of 4 stars; one submission).

Conditions:
Cardiovascular phenotype. Identifiers: MedGen CN230736.

Submission:

Ambry Genetics
Classification: Uncertain significance for Cardiovascular phenotype. Last evaluated: 2022-12-13. Review status: criteria provided, single submitter. Criteria: Ambry Variant Classification Scheme 2023. Collection method: clinical testing. Allele origin: germline.
Comment: The p.R313I variant (also known as c.938G>T), located in coding exon 11 of the CACNA2D1 gene, results from a G to T substitution at nucleotide position 938. The arginine at codon 313 is replaced by isoleucine, an amino acid with similar properties. This amino acid position is conserved. In addition, the in silico prediction for this alteration is inconclusive. Since supporting evidence is limited at this time, the clinical significance of this alteration remains unclear.

NM_000722.4(CACNA2D1):c.938G>T (p.Arg313Ile)

Gene: CACNA2D1 (calcium voltage-gated channel auxiliary subunit alpha2delta 1; minus strand). Cytogenetic location: 7q21.11.
Variant type: single nucleotide variant.
Coding change: c.938G>T on transcript NM_000722.4 (MANE Select); coding-DNA position 938, G replaced by T.
Protein change: p.Arg313Ile; replaces arginine 313 with isoleucine.
Molecular consequence: missense variant.
Genome position (GRCh38, 1-based): chr7:82,038,177, C>A on the plus strand (G>T on the coding strand, the complement: CACNA2D1 is on the minus strand). VCF-style: chr7-82038177-C-A. GRCh37 (hg19) VCF-style: chr7-81667493-C-A.
Other names: c.938G>T, p.Arg313Ile (NM_001366867.1); short protein forms R313I.
Identifiers: ClinVar variation 3232276 (VCV003232276.1), dbSNP rs1304235878, ClinGen allele CA367880058.